The following is an entry in ClinVar:

NM_004958.4(MTOR):c.3246C>A (p.Phe1082Leu)

Gene: MTOR (mechanistic target of rapamycin kinase; minus strand). Cytogenetic location: 1p36.22.
Variant type: single nucleotide variant.
Coding change: c.3246C>A on transcript NM_004958.4 (MANE Select); coding-DNA position 3246, C replaced by A.
Protein change: p.Phe1082Leu; replaces phenylalanine 1082 with leucine.
Molecular consequence: missense variant.
Genome position (GRCh38, 1-based): chr1:11,213,438, G>T on the plus strand (C>A on the coding strand, the complement: MTOR is on the minus strand). VCF-style: chr1-11213438-G-T. GRCh37 (hg19) VCF-style: chr1-11273495-G-T.
Other names: c.1998C>A, p.Phe666Leu (NM_001386501.1); c.3246C>A, p.Phe1082Leu (NM_001386500.1); short protein forms F1082L, F666L.
Identifiers: ClinVar variation 2760429 (VCV002760429.3), dbSNP rs1488427178, ClinGen allele CA338374693.

ClinVar aggregate classification (germline): Uncertain significance (1 of 4 stars; one submission).

Submission:

Labcorp Genetics (formerly Invitae), Labcorp
Classification: Uncertain significance. Last evaluated: 2023-09-12. Review status: criteria provided, single submitter. Criteria: Invitae Variant Classification Sherloc (09022015). Collection method: clinical testing. Allele origin: germline.
Comment: In summary, the available evidence is currently insufficient to determine the role of this variant in disease. Therefore, it has been classified as a Variant of Uncertain Significance. Advanced modeling of protein sequence and biophysical properties (such as structural, functional, and spatial information, amino acid conservation, physicochemical variation, residue mobility, and thermodynamic stability) performed at Invitae indicates that this missense variant is not expected to disrupt MTOR protein function. This variant has not been reported in the literature in individuals affected with MTOR-related conditions. This variant is not present in population databases (gnomAD no frequency). This sequence change replaces phenylalanine, which is neutral and non-polar, with leucine, which is neutral and non-polar, at codon 1082 of the MTOR protein (p.Phe1082Leu).